The following is an entry in ClinVar:

ClinVar aggregate classification (germline): Benign/Likely benign. Review status: criteria provided, multiple submitters, no conflicts (2 of 4 stars). 7 submissions from 7 submitters: Benign (5); Likely benign (2). Last evaluated 2026-02-02.

Conditions:
Hereditary spastic paraplegia. Also called: Familial spastic paraparesis. Identifiers: Orphanet 685, MedGen C0037773, MONDO:0019064. Disease mechanism: loss of function.
Mast syndrome. Also called: SPASTIC PARAPLEGIA 21, AUTOSOMAL RECESSIVE. Identifiers: Orphanet 101001, MedGen C1855346, MONDO:0009568, OMIM 248900.

Allele frequency attached by ClinVar (database versions not stated): 1000 Genomes Project 30x 0.00812; 1000 Genomes Project 0.00819; TOPMed 0.01275; gnomAD 0.01378 and 0.01388; gnomAD exomes 0.01468 and 0.02034; ExAC 0.01586; ESP Exome Variant Server 0.01592.
gnomAD v4.1: 31,636 of 1,613,974 alleles (2%); highest among the groups gnomAD compares: Middle Eastern, 3%; 383 homozygotes.

Submissions (7):

Labcorp Genetics (formerly Invitae), Labcorp
Classification: Benign for Mast syndrome. Last evaluated: 2026-02-02. Review status: criteria provided, single submitter. Criteria: Invitae Variant Classification Sherloc (09022015). Collection method: clinical testing. Allele origin: germline.

Athena Diagnostics
Classification: Benign. Last evaluated: 2024-03-25. Review status: criteria provided, single submitter. Criteria: Athena Diagnostics Criteria. Collection method: clinical testing. Allele origin: unknown.

Genome Diagnostics Laboratory, The Hospital for Sick Children
Classification: Benign for Hereditary spastic paraplegia. Last evaluated: 2021-07-08. Review status: criteria provided, single submitter. Criteria: ACMG Guidelines, 2015. Collection method: clinical testing. Allele origin: germline. Affected: yes.

Illumina Laboratory Services, Illumina
Classification: Likely benign for Mast syndrome. Last evaluated: 2017-04-27. Review status: criteria provided, single submitter. Criteria: ICSL Variant Classification Criteria 13 December 2019. Collection method: clinical testing. Allele origin: germline.
Comment: This variant was observed as part of a predisposition screen in an ostensibly healthy population. A literature search was performed for the gene, cDNA change, and amino acid change (where applicable). No publications were found based on this search. Allele frequency data from public databases allowed determination this variant is unlikely to cause disease. Therefore, this variant is classified as likely benign.

GeneDx
Classification: Benign. Last evaluated: 2016-11-11. Review status: criteria provided, single submitter. Criteria: GeneDx Variant Classification (06012015). Collection method: clinical testing. Allele origin: germline. Affected: yes.
Comment: This variant is considered likely benign or benign based on one or more of the following criteria: it is a conservative change, it occurs at a poorly conserved position in the protein, it is predicted to be benign by multiple in silico algorithms, and/or has population frequency not consistent with disease.

Mayo Clinic Laboratories, Mayo Clinic
Classification: Benign. Last evaluated: 2016-05-27. Review status: criteria provided, single submitter. Criteria: ACMG Guidelines, 2015. Collection method: clinical testing. Allele origin: germline. Observed: 70 variant alleles.

Breakthrough Genomics
Classification: Likely benign. Review status: criteria provided, single submitter. Criteria: ACMG Guidelines, 2015. Collection method: not provided. Allele origin: germline. Inheritance: Autosomal recessive inheritance. Affected: yes.

NM_016630.7(SPG21):c.843C>T (p.Tyr281=)

Gene: SPG21 (SPG21 abhydrolase domain containing, maspardin; minus strand). Cytogenetic location: 15q22.31.
Variant type: single nucleotide variant.
Coding change: c.843C>T on transcript NM_016630.7 (MANE Select); coding-DNA position 843, C replaced by T.
Protein change: p.Tyr281=; no amino-acid change (tyrosine 281 retained).
Molecular consequence: synonymous variant.
Genome position (GRCh38, 1-based): chr15:64,963,704, G>A on the plus strand (C>T on the coding strand, the complement: SPG21 is on the minus strand). VCF-style: chr15-64963704-G-A. GRCh37 (hg19) VCF-style: chr15-65256045-G-A.
Other names: p.Tyr281=; c.843C>T, p.Tyr281= (NM_001127889.5); c.762C>T, p.Tyr254= (NM_001127890.5).
Identifiers: ClinVar variation 220662 (VCV000220662.22), dbSNP rs147428832, ClinGen allele CA349080.